The following is an entry in ClinVar:

ClinVar aggregate classification (germline): Uncertain significance (1 of 4 stars; one submission).

gnomAD v4.1: 3 of 1,614,020 alleles (0.00019%); highest among the groups gnomAD compares: African/African-American, 0.0027%; no homozygotes.

Submission:

Labcorp Genetics (formerly Invitae), Labcorp
Classification: Uncertain significance. Last evaluated: 2025-04-13. Review status: criteria provided, single submitter. Criteria: Invitae Variant Classification Sherloc (09022015). Collection method: clinical testing. Allele origin: germline.
Comment: This sequence change replaces lysine, which is basic and polar, with arginine, which is basic and polar, at codon 189 of the OTULIN protein (p.Lys189Arg). This variant is not present in population databases (gnomAD no frequency). This variant has not been reported in the literature in individuals affected with OTULIN-related conditions. Invitae Evidence Modeling of protein sequence and biophysical properties (such as structural, functional, and spatial information, amino acid conservation, physicochemical variation, residue mobility, and thermodynamic stability) indicates that this missense variant is not expected to disrupt OTULIN protein function with a negative predictive value of 80%. In summary, the available evidence is currently insufficient to determine the role of this variant in disease. Therefore, it has been classified as a Variant of Uncertain Significance.

NM_138348.6(OTULIN):c.566A>G (p.Lys189Arg)

Gene: OTULIN (OTU deubiquitinase with linear linkage specificity; plus strand). Cytogenetic location: 5p15.2.
Variant type: single nucleotide variant.
Coding change: c.566A>G on transcript NM_138348.6 (MANE Select); coding-DNA position 566, A replaced by G.
Protein change: p.Lys189Arg; replaces lysine 189 with arginine.
Molecular consequence: missense variant.
Genome position (GRCh38, 1-based): chr5:14,687,618, A>G. VCF-style: chr5-14687618-A-G. GRCh37 (hg19) VCF-style: chr5-14687727-A-G.
Other names: short protein forms K189R.
Identifiers: ClinVar variation 4760454 (VCV004760454.1).